The following is an entry in ClinVar:

NM_001127222.2(CACNA1A):c.2924G>A (p.Arg975Gln)

Gene: CACNA1A (calcium voltage-gated channel subunit alpha1 A; minus strand). Cytogenetic location: 19p13.13.
Variant type: single nucleotide variant.
Coding change: c.2924G>A on transcript NM_001127222.2 (MANE Select); coding-DNA position 2924, G replaced by A.
Protein change: p.Arg975Gln; replaces arginine 975 with glutamine.
Molecular consequence: missense variant.
Genome position (GRCh38, 1-based): chr19:13,298,709, C>T on the plus strand (G>A on the coding strand, the complement: CACNA1A is on the minus strand). VCF-style: chr19-13298709-C-T. GRCh37 (hg19) VCF-style: chr19-13409523-C-T.
Other names: c.2936G>A, p.Arg979Gln (NM_000068.4, NM_023035.3); c.2927G>A, p.Arg976Gln (NM_001127221.2, NM_001174080.2); short protein forms R976Q, R975Q, R979Q.
Identifiers: ClinVar variation 572115 (VCV000572115.15), dbSNP rs748418783, ClinGen allele CA404342434.
Genomic context (GRCh38, chr19:13,298,709, plus strand): 5'-CCCTCGCCCTCGCCCTCGCCGCCCCGGGCCGGCCGGCTGCCCTCGCGGTGCCGCGCCCTC[C>T]GCTCCGCCTTGTCCTCCGGACCCTCCTCCCCGGGCCTGCGGTGCGCGCGATGACGTCGAT-3'
Protein context (NP_001120694.1, residues 965-985): GEEGPEDKAE[Arg975Gln]RARHREGSRP

ClinVar aggregate classification (germline): Uncertain significance. Review status: criteria provided, multiple submitters, no conflicts (2 of 4 stars). 2 submissions from 2 submitters: Uncertain significance (2). Last evaluated 2019-10-28.

Conditions:
Episodic ataxia type 2 (EA2). Also called: ACETAZOLAMIDE-RESPONSIVE HEREDITARY PAROXYSMAL CEREBELLAR ATAXIA; CEREBELLAR ATAXIA, PAROXYSMAL, ACETAZOLAMIDE-RESPONSIVE; CEREBELLOPATHY, HEREDITARY PAROXYSMAL; EPISODIC ATAXIA, NYSTAGMUS-ASSOCIATED; ATAXIA, EPISODIC, WITH NYSTAGMUS; ATAXIA, FAMILIAL PAROXYSMAL. Identifiers: Orphanet 97, MedGen C1720416, MONDO:0007163, OMIM 108500.
Developmental and epileptic encephalopathy, 42 (DEE42A). Also called: DEVELOPMENTAL AND EPILEPTIC ENCEPHALOPATHY 42A; EPILEPTIC ENCEPHALOPATHY, EARLY INFANTILE, 42A; Epileptic encephalopathy, early infantile, 42. Identifiers: MedGen C4310716, MONDO:0014917, OMIM 617106.

gnomAD v4.1: 3 of 1,466,380 alleles (0.0002%); highest among the groups gnomAD compares: African/African-American, 0.0015%; no homozygotes.

Submissions (2):

Illumina Laboratory Services, Illumina
Classification: Uncertain significance for Developmental and epileptic encephalopathy, 42. Last evaluated: 2019-10-28. Review status: criteria provided, single submitter. Criteria: ICSLVariantClassificationCriteria RUGD 01 April 2020. Collection method: clinical testing. Allele origin: unknown.
Comment: The CACNA1A c.2927G>A (p.Arg976Gln) variant is a missense variant. A literature search was performed for the gene, cDNA change, and amino acid change. No publications were found based on this search. This variant is not found in the Genome Aggregation Database in a region of good sequence coverage, so the variant is presumed to be rare. Based on the limited evidence, the p.Arg976Gln is classified as a variant of unknown significance for early infantile epileptic encephalopathy.

Labcorp Genetics (formerly Invitae), Labcorp
Classification: Uncertain significance for Developmental and epileptic encephalopathy, 42; Episodic ataxia type 2. Last evaluated: 2019-02-11. Review status: criteria provided, single submitter. Criteria: Invitae Variant Classification Sherloc (09022015). Collection method: clinical testing. Allele origin: germline.
Comment: In summary, the available evidence is currently insufficient to determine the role of this variant in disease. Therefore, it has been classified as a Variant of Uncertain Significance. Algorithms developed to predict the effect of missense changes on protein structure and function are either unavailable or do not agree on the potential impact of this missense change (SIFT: "Deleterious"; PolyPhen-2: "Benign"; Align-GVGD: "Class C0"). This variant has not been reported in the literature in individuals with CACNA1A-related disease. While this variant is not present in population databases, the frequency information is unreliable, as metrics indicate poor data quality at this position in the ExAC database. This sequence change replaces arginine with glutamine at codon 976 of the CACNA1A protein (p.Arg976Gln). The arginine residue is moderately conserved and there is a small physicochemical difference between arginine and glutamine.